The following is an entry in ClinVar:

NM_000257.4(MYH7):c.632C>T (p.Pro211Leu)

Gene: MYH7 (myosin heavy chain 7; minus strand). Cytogenetic location: 14q11.2.
Variant type: single nucleotide variant.
Coding change: c.632C>T on transcript NM_000257.4 (MANE Select); coding-DNA position 632, C replaced by T.
Protein change: p.Pro211Leu; replaces proline 211 with leucine.
Molecular consequence: missense variant.
Genome position (GRCh38, 1-based): chr14:23,431,768, G>A on the plus strand (C>T on the coding strand, the complement: MYH7 is on the minus strand). VCF-style: chr14-23431768-G-A. GRCh37 (hg19) VCF-style: chr14-23900977-G-A.
Other names: short protein forms P211L.
Identifiers: ClinVar variation 164395 (VCV000164395.57), dbSNP rs727503277, ClinGen allele CA016570.

ClinVar aggregate classification (germline): Uncertain significance. Review status: criteria provided, multiple submitters, no conflicts (2 of 4 stars). 13 submissions from 13 submitters: Uncertain significance (11). 2 of the submissions do not count toward it. Last evaluated 2026-06-01.

Conditions:
Cardiovascular phenotype. Identifiers: MedGen CN230736.
Cardiomyopathy (CMYO). Also called: Cardiomyopathies. Identifiers: Orphanet 167848, MedGen C0878544, MONDO:0004994, HP:0001638. Inheritance: Various modes of inheritance.
Hypertrophic cardiomyopathy 1 (CMH1). Also called: Familial hypertrophic cardiomyopathy 1; MYH7-Related Familial Hypertrophic Cardiomyopathy. Identifiers: MedGen C3495498, MONDO:0008647, OMIM 192600.
Hypertrophic cardiomyopathy. Also called: HYPERTROPHIC MYOCARDIOPATHY. Identifiers: Orphanet 217569, MedGen C0007194, MeSH D002312, MONDO:0005045, HP:0001639.

Allele frequency attached by ClinVar (database versions not stated): ExAC 0.00002; gnomAD 0.00002; gnomAD exomes 0.00002; TOPMed 0.00002.

Submissions (13):

Clinical Genetics Laboratory, Skane University Hospital Lund
Classification: Uncertain significance for Hypertrophic cardiomyopathy 1. Last evaluated: 2026-06-01. Review status: criteria provided, single submitter. Criteria: ACMG Guidelines, 2015. Collection method: clinical testing. Allele origin: germline. Inheritance: Autosomal dominant inheritance. Affected: yes.
Comment: MYH7 (NM_000257.4) c.632C>T, p.(Pro211Leu) represents a nucleotide substitution in exon 7 of 40, resulting in the amino acid change indicated above. The variant is located within a functionally important domain of the protein (see ClinGen Cardiomyopathy Expert Panel Specifications to the ACMG/AMP Variant Interpretation Guidelines for MYH7 Version 2.0.0). The MYH7 c.632C>T variant has previously been identified in the general population, has been described in the scientific literature (including PMID: 37652022, 27532257, and 37466024), and is reported predominantly as a Variant of Uncertain Significance (VUS) in the ClinVar database (Accession: VCV000164395.53). The variant has been classified as a VUS based on the following gene-specific criteria (ClinGen Cardiomyopathy Expert Panel Specifications to the ACMG/AMP Variant Interpretation Guidelines for MYH7 Version 2.0.0): PS4_Supporting, PM1, and PM2_Supporting.

Labcorp Genetics (formerly Invitae), Labcorp
Classification: Uncertain significance for Hypertrophic cardiomyopathy. Last evaluated: 2025-11-12. Review status: criteria provided, single submitter. Criteria: Invitae Variant Classification Sherloc (09022015). Collection method: clinical testing. Allele origin: germline.
Comment: This sequence change replaces proline, which is neutral and non-polar, with leucine, which is neutral and non-polar, at codon 211 of the MYH7 protein (p.Pro211Leu). This variant is present in population databases (rs727503277, gnomAD 0.003%). This missense change has been observed in individuals with hypertrophic cardiomyopathy (PMID: 12820698, 12975413, 15856146, 18761664, 21511876, 27532257, 37466024, 38002985). ClinVar contains an entry for this variant (Variation ID: 164395). Invitae Evidence Modeling of protein sequence and biophysical properties (such as structural, functional, and spatial information, amino acid conservation, physicochemical variation, residue mobility, and thermodynamic stability) indicates that this missense variant is not expected to disrupt MYH7 protein function with a negative predictive value of 95%. In summary, the available evidence is currently insufficient to determine the role of this variant in disease. Therefore, it has been classified as a Variant of Uncertain Significance.

Ambry Genetics
Classification: Uncertain significance for Cardiovascular phenotype. Last evaluated: 2025-09-29. Review status: criteria provided, single submitter. Criteria: Ambry Variant Classification Scheme 2023. Collection method: clinical testing. Allele origin: germline.
Comment: The p.P211L variant (also known as c.632C>T), located in coding exon 5 of the MYH7 gene, results from a C to T substitution at nucleotide position 632. The proline at codon 211 is replaced by leucine, an amino acid with similar properties. This alteration is located in the myosin head domain, which contains a statistically significant clustering of pathogenic missense variants (Homburger JR et al. Proc Natl Acad Sci U S A, 2016 06;113:6701-6; Walsh R et al. Genet Med, 2017 02;19:192-203; Ambry internal data). This variant has been detected in individuals with hypertrophic cardiomyopathy (HCM) or from HCM cohorts; however, some individuals also had additional variants detected, or gene analysis was limited (Woo A et al. Heart, 2003 Oct;89:1179-85; Mohiddin SA et al. Genet Test, 2003;7:21-7; Perrot A et al. J Mol Med (Berl), 2005 Jun;83:468-77; Gruner C et al. Circ Cardiovasc Genet, 2011 Jun;4:288-95; Walsh R et al. Genet Med, 2017 02;19:192-203; Chumakova OS et al. Genes (Basel), 2023 Nov;14:). This amino acid position is not well conserved in available vertebrate species. In addition, the in silico prediction for this alteration is inconclusive. Since supporting evidence is limited at this time, the clinical significance of this alteration remains unclear.

Molecular Diagnostic Laboratory for Inherited Cardiovascular Disease, Montreal Heart Institute
Classification: Uncertain significance for Cardiovascular phenotype. Last evaluated: 2025-04-08. Review status: criteria provided, single submitter. Criteria: ACMG Guidelines, 2015. Collection method: clinical testing. Allele origin: germline. Affected: yes.
Comment: PM1, PM2, PS4_supp

All of Us Research Program, National Institutes of Health
Classification: Uncertain significance for Cardiomyopathy. Last evaluated: 2024-09-23. Review status: criteria provided, single submitter. Criteria: ACMG Guidelines, 2015. Collection method: clinical testing. Allele origin: germline. Inheritance: Autosomal dominant inheritance. Observed: 8 variant alleles, 8 heterozygotes.
Comment: This missense variant replaces proline with leucine at codon 211 of the MYH7 protein. Computational prediction is inconclusive regarding the impact of this variant on protein structure and function (internally defined REVEL score threshold 0.5 < inconclusive < 0.7, PMID: 27666373). To our knowledge, functional studies have not been reported for this variant. This variant has been reported in several individuals affected with hypertrophic cardiomyopathy (PMID: 12820698, 12975413, 15856146, 18761664, 21511876). Two of these individuals carried a pathogenic mutation in the same gene (PMID: 12820698, 18761664). This variant has been identified in 4/251490 chromosomes in the general population by the Genome Aggregation Database (gnomAD). The available evidence is insufficient to determine the role of this variant in disease conclusively. Therefore, this variant is classified as a Variant of Uncertain Significance.

This study involves interpretation of variants in research participants for the purpose of population health screening. Participant phenotype was not available at the time of variant classification. Additional details can be found in publication PMID: 35346344, PMCID: PMC8962531

Color Diagnostics, LLC DBA Color Health
Classification: Uncertain significance for Cardiomyopathy. Last evaluated: 2024-07-24. Review status: criteria provided, single submitter. Criteria: ACMG Guidelines, 2015. Collection method: clinical testing. Allele origin: germline.
Comment: This missense variant replaces proline with leucine at codon 211 of the MYH7 protein. Computational prediction is inconclusive regarding the impact of this variant on protein structure and function. To our knowledge, functional studies have not been reported for this variant. This variant has been reported in several individuals affected with hypertrophic cardiomyopathy (PMID: 12820698, 12975413, 15856146, 18761664, 21511876). Two of these individuals carried a pathogenic mutation in the same gene (PMID: 12820698, 18761664). This variant has been identified in 4/251490 chromosomes in the general population by the Genome Aggregation Database (gnomAD). The available evidence is insufficient to determine the role of this variant in disease conclusively. Therefore, this variant is classified as a Variant of Uncertain Significance.

GeneDx
Classification: Uncertain significance. Last evaluated: 2024-07-23. Review status: criteria provided, single submitter. Criteria: GeneDx Variant Classification Process June 2021. Collection method: clinical testing. Allele origin: germline. Affected: yes.
Comment: Identified in patients with HCM in published literature, including one apparently homozygous observation; at least one patient harbored additional cardiogenetic variants (PMID: 37652022, 37466024, 38158977, 12820698, 12975413, 15856146, 21511876, 27532257); Not observed at significant frequency in large population cohorts (gnomAD); In silico analysis indicates that this missense variant does not alter protein structure/function; This variant is associated with the following publications: (PMID: 18761664, 12975413, 15856146, 12820698, 21511876, 28420666, 34426522, 34542152, 27532257, 29300372, 37652022, 37466024, 38158977)

CeGaT Center for Human Genetics Tuebingen
Classification: Uncertain significance. Last evaluated: 2024-01-01. Review status: criteria provided, single submitter. Criteria: CeGaT Center For Human Genetics Tuebingen Variant Classification Criteria Version 2. Collection method: clinical testing. Allele origin: germline. Affected: yes. Observed: 1 variant allele.
Comment: MYH7: PM2, BP4

Blueprint Genetics
Classification: Uncertain significance. Last evaluated: 2023-12-26. Review status: criteria provided, single submitter. Criteria: ACMG Guidelines, 2015. Collection method: clinical testing. Allele origin: germline.

Laboratory for Molecular Medicine, Mass General Brigham Personalized Medicine
Classification: Uncertain significance for Hypertrophic cardiomyopathy. Last evaluated: 2022-06-30. Review status: criteria provided, single submitter. Criteria: ACMG Guidelines, 2015. Collection method: clinical testing. Allele origin: germline.
Comment: The p.Pro211Leu variant in MYH7 has been identified in at least 5 individuals with HCM, and has additionally been identified in one individual who carried an additional pathogenic variant in MYH7 (Mohiddin 2003, Woo 2003, Perrot 2005, Gruner 2011, Kassem 2017, Walsh 2017, LMM data). However, the individual with a second pathogenic did not have early onset of disease, and while one affected relative had both variants, a second affected relative only had the second variant in MYH7. The p.Pro211Leu variant has also been identified in 4/251490 of chromosomes by gnomAD. Computational tools suggest that this p.Pro211Leu may not impact the protein; however, this variant lies in the head region of the protein and missense variants in this region have been reported and statistically indicated to be more likely to cause disease (Walsh 2017). In summary, although the data suggests an association with disease, the clinical significance of the p.Pro211Leu variant is uncertain. ACMG/AMP criteria applied: PM1, PM2, PS4_Supporting, BP4.

Mendelics
Classification: Uncertain significance for Hypertrophic cardiomyopathy 1. Last evaluated: 2019-05-28. Review status: criteria provided, single submitter. Criteria: Mendelics Assertion Criteria 2017. Collection method: clinical testing. Allele origin: unknown.

Diagnostic Laboratory, Department of Genetics, University Medical Center Groningen
Classification: Uncertain significance. Review status: no assertion criteria provided. Collection method: clinical testing. Allele origin: germline. Affected: yes. Study: VKGL Data-share Consensus. Not counted in ClinVar's aggregate classification.

Joint Genome Diagnostic Labs from Nijmegen and Maastricht, Radboudumc and MUMC+
Classification: Uncertain significance. Review status: no assertion criteria provided. Collection method: clinical testing. Allele origin: germline. Affected: yes. Study: VKGL Data-share Consensus. Not counted in ClinVar's aggregate classification.

Literature cited by the submitters: PubMed 12820698 (cited by 5 submitters); PubMed 12975413 (cited by 5 submitters); PubMed 15856146 (cited by 5 submitters); PubMed 18761664 (cited by 3 submitters); PubMed 21511876 (cited by 5 submitters); PubMed 27532257 (cited by 3 submitters); PubMed 37466024 (cited by Labcorp Genetics (formerly Invitae), Labcorp and Ambry Genetics); PubMed 38002985 (cited by Labcorp Genetics (formerly Invitae), Labcorp and Ambry Genetics).